The following is an entry in ClinVar:

ClinVar aggregate classification (germline): Conflicting classifications of pathogenicity. Review status: criteria provided, conflicting classifications (1 of 4 stars). 2 submissions from 2 submitters: Uncertain significance (1); Likely benign (1). Last evaluated 2025-05-31.

gnomAD v4.1: 2 of 1,429,062 alleles (0.00014%); highest among the groups gnomAD compares: Middle Eastern, 0.035%; no homozygotes.

Submissions (2):

Labcorp Genetics (formerly Invitae), Labcorp
Classification: Uncertain significance. Last evaluated: 2025-05-31. Review status: criteria provided, single submitter. Criteria: Invitae Variant Classification Sherloc (09022015). Collection method: clinical testing. Allele origin: germline.
Comment: This sequence change replaces aspartic acid, which is acidic and polar, with asparagine, which is neutral and polar, at codon 18 of the P4HB protein (p.Asp18Asn). The frequency data for this variant in the population databases is considered unreliable, as metrics indicate poor data quality at this position in the gnomAD database. This variant has not been reported in the literature in individuals affected with P4HB-related conditions. An algorithm developed to predict the effect of missense changes on protein structure and function (PolyPhen-2) suggests that this variant is likely to be tolerated. In summary, the available evidence is currently insufficient to determine the role of this variant in disease. Therefore, it has been classified as a Variant of Uncertain Significance.

Blueprint Genetics
Classification: Likely benign. Last evaluated: 2024-03-08. Review status: criteria provided, single submitter. Criteria: ACMG Guidelines, 2015. Collection method: clinical testing. Allele origin: germline.

NM_000918.4(P4HB):c.52G>A (p.Asp18Asn)

Gene: P4HB (prolyl 4-hydroxylase subunit beta; minus strand). Cytogenetic location: 17q25.3.
Variant type: single nucleotide variant.
Coding change: c.52G>A on transcript NM_000918.4 (MANE Select); coding-DNA position 52, G replaced by A.
Protein change: p.Asp18Asn; replaces aspartic acid 18 with asparagine.
Molecular consequence: missense variant.
Genome position (GRCh38, 1-based): chr17:81,860,420, C>T on the plus strand (G>A on the coding strand, the complement: P4HB is on the minus strand). VCF-style: chr17-81860420-C-T. GRCh37 (hg19) VCF-style: chr17-79818296-C-T.
Other names: short protein forms D18N.
Identifiers: ClinVar variation 4705034 (VCV004705034.2).
Genomic context (GRCh38, chr17:81,860,420, plus strand): 5'-GCGCCTCCGCGAAGTTGCTTTTCCGCAGCACCAGGACGTGGTCCTCCTCCTCGGGGGCGT[C>T]GGCGCGCACCAGGGCGGCCACGGCCAGGCACAGCAGAGCGCGGCGCAGCATGTCGGACAC-3'
Protein context (NP_000909.2, residues 8-28): CLAVAALVRA[Asp18Asn]APEEEDHVLV